The following is an entry in ClinVar:

ClinVar aggregate classification (germline): Likely benign (0 of 4 stars; one submission).

Conditions:
MSH5-related disorder. Also called: MSH5-related condition.

Allele frequency attached by ClinVar (database versions not stated): ESP Exome Variant Server 0.00008; gnomAD exomes 0.00018; gnomAD 0.00025; ExAC 0.00028; TOPMed 0.00044; 1000 Genomes Project 30x 0.00109; 1000 Genomes Project 0.00120.
gnomAD v4.1: 304 of 1,611,636 alleles (0.019%); highest among the groups gnomAD compares: Admixed American, 0.13%; 1 homozygote.

Submissions (2):

PreventionGenetics, part of Exact Sciences
Classification: Likely benign for MSH5-related condition. Last evaluated: 2019-05-22. Review status: no assertion criteria provided. Collection method: clinical testing. Allele origin: germline.
Comment: This variant is classified as likely benign based on ACMG/AMP sequence variant interpretation guidelines (Richards et al. 2015 PMID: 25741868, with internal and published modifications).

Dr. Peter K. Rogan Lab, Western University
No classification provided (evidence only). Condition: Chronic lymphocytic leukemia/small lymphocytic lymphoma. Review status: no classification provided. Collection method: in vitro. Allele origin: not applicable. Functional consequence: retained intron. Not counted in ClinVar's aggregate classification.

NM_172166.4(MSH5):c.1496-10C>A

Genes: MSH5 (mutS homolog 5; plus strand), MSH5-SAPCD1 (MSH5-SAPCD1 readthrough (NMD candidate); plus strand). Cytogenetic location: 6p21.33.
Variant type: single nucleotide variant.
Coding change: c.1496-10C>A on transcript NM_172166.4 (MANE Select); 10 bases into the intron before coding-DNA position 1496, C replaced by A.
Molecular consequence: intron variant.
Genome position (GRCh38, 1-based): chr6:31,759,776, C>A. VCF-style: chr6-31759776-C-A. GRCh37 (hg19) VCF-style: chr6-31727553-C-A.
Other names: NC_000006.11:g.31727553C>A; c.1496-10C>A (NM_002441.5, NM_172165.4); c.1547-10C>A (NM_025259.6).
Identifiers: ClinVar variation 3039548 (VCV003039548.3), dbSNP rs192714206, ClinGen allele CA3721358.
Genomic context (GRCh38, chr6:31,759,776, plus strand): 5'-TAGGGGCCTCTGCCTCTCCTTCACTTTCCCCTGGAACTGACCTCCAGCTCCCTTCCTCAC[C>A]CACTCCCAGACCAGGAGACGCTGCTGATGTACCAGCTACAGTGCCAGGTGCTGGCACGAG-3'